The following is an entry in ClinVar:

NM_000260.4(MYO7A):c.2421C>T (p.His807=)

Gene: MYO7A (myosin VIIA; plus strand). Cytogenetic location: 11q13.5.
Variant type: single nucleotide variant.
Coding change: c.2421C>T on transcript NM_000260.4 (MANE Select); coding-DNA position 2421, C replaced by T.
Protein change: p.His807=; no amino-acid change (histidine 807 retained).
Molecular consequence: synonymous variant.
Genome position (GRCh38, 1-based): chr11:77,179,788, C>T. VCF-style: chr11-77179788-C-T. GRCh37 (hg19) VCF-style: chr11-76890834-C-T.
Other names: c.2421C>T, p.His807= (NM_001127180.2); c.2388C>T, p.His796= (NM_001369365.1).
Identifiers: ClinVar variation 179827 (VCV000179827.16), dbSNP rs782218928, ClinGen allele CA185223.

ClinVar aggregate classification (germline): Likely benign. Review status: criteria provided, multiple submitters, no conflicts (2 of 4 stars). 4 submissions from 4 submitters: Likely benign (3). 1 of the submissions does not count toward it. Last evaluated 2024-10-29.

Conditions:
Usher syndrome type 1 (USH1). Also called: RETINITIS PIGMENTOSA AND CONGENITAL DEAFNESS. Identifiers: Orphanet 231169, Orphanet 886, MedGen C1568247, MONDO:0010168, OMIM 276900.
Autosomal recessive nonsyndromic hearing loss 2. Also called: DEAFNESS, AUTOSOMAL RECESSIVE 2; NEUROSENSORY NONSYNDROMIC RECESSIVE DEAFNESS 2. Identifiers: Orphanet 90636, MedGen C1838701, MONDO:0010807, OMIM 600060.

Allele frequency attached by ClinVar (database versions not stated): TOPMed 0.00006; ExAC 0.00007; gnomAD 0.00007 and 0.00008.
gnomAD v4.1: 21 of 1,550,992 alleles (0.0014%); highest among the groups gnomAD compares: African/African-American, 0.023%; no homozygotes.

Submissions (4):

Labcorp Genetics (formerly Invitae), Labcorp
Classification: Likely benign. Last evaluated: 2024-10-29. Review status: criteria provided, single submitter. Criteria: Invitae Variant Classification Sherloc (09022015). Collection method: clinical testing. Allele origin: germline.

Blueprint Genetics
Classification: Likely benign. Last evaluated: 2024-05-20. Review status: criteria provided, single submitter. Criteria: ACMG Guidelines, 2015. Collection method: clinical testing. Allele origin: germline.

Laboratory for Molecular Medicine, Mass General Brigham Personalized Medicine
Classification: Likely benign. Last evaluated: 2014-07-16. Review status: criteria provided, single submitter. Criteria: LMM Criteria. Collection method: clinical testing. Allele origin: germline. Observed: 1 variant allele.
Comment: His807His in exon 21 of MYO7A: This variant is not expected to have clinical sig nificance because it does not alter an amino acid residue and is not located wit hin the splice consensus sequence.

Counsyl
Classification: Likely benign for Usher syndrome type 1; Autosomal recessive nonsyndromic hearing loss 2. Last evaluated: 2017-02-24. Review status: no assertion criteria provided. Collection method: clinical testing. Allele origin: unknown. Not counted in ClinVar's aggregate classification.